The following is an entry in ClinVar:

NM_006922.4(SCN3A):c.2698G>A (p.Gly900Ser)

Gene: SCN3A (sodium voltage-gated channel alpha subunit 3; minus strand). Cytogenetic location: 2q24.3.
Variant type: single nucleotide variant.
Coding change: c.2698G>A on transcript NM_006922.4 (MANE Select); coding-DNA position 2698, G replaced by A.
Protein change: p.Gly900Ser; replaces glycine 900 with serine.
Molecular consequence: missense variant.
Genome position (GRCh38, 1-based): chr2:165,130,164, C>T on the plus strand (G>A on the coding strand, the complement: SCN3A is on the minus strand). VCF-style: chr2-165130164-C-T. GRCh37 (hg19) VCF-style: chr2-165986674-C-T.
Other names: NM_006922.4(SCN3A):c.2698G>A; p.Gly900Ser; c.2551G>A, p.Gly851Ser (NM_001081676.2, NM_001081677.2); short protein forms G900S, G851S.
Identifiers: ClinVar variation 661395 (VCV000661395.14), dbSNP rs749586926, ClinGen allele CA1938909.

ClinVar aggregate classification (germline): Likely benign. Review status: reviewed by expert panel (3 of 4 stars). 4 submissions from 4 submitters: Likely benign (1). 3 of the submissions do not count toward it. Last evaluated 2026-06-23.

Conditions:
Genetic developmental and epileptic encephalopathy. Identifiers: MedGen CN379639, MONDO:0100062.

Allele frequency attached by ClinVar (database versions not stated): gnomAD exomes 0.00002 and 0.00001; gnomAD 0.00004 and 0.00003; TOPMed 0.00003; ExAC 0.00001.
gnomAD v4.1: 23 of 1,613,946 alleles (0.0014%); highest among the groups gnomAD compares: Non-Finnish European, 0.0018%; no homozygotes.

Submissions (4):

ClinGen Epilepsy Sodium Channel Variant Curation Expert Panel, Clingen
Classification: Likely benign for Genetic developmental and epileptic encephalopathy. Last evaluated: 2026-06-23. Review status: reviewed by expert panel. Criteria: ClinGen EpilepsySCN ACMG Specifications SCN3A V2.1.0. Collection method: curation. Allele origin: germline. Inheritance: Autosomal dominant inheritance.
Comment: The c.2698G>A variant in SCN3A is a missense variant predicted to cause substitution of Glycine by Serine at amino acid 900 (p.Gly900Ser). This variant has been observed in 25 heterozygous individuals with no features or family history of developmental and epileptic encephalopathy, a condition with full penetrance at an early age (BS2; internal lab contributors). The highest population minor allele frequency in gnomAD v4 is 0.001780% (21/1180010 alleles) in European (non-Finnish) population, which is higher than the ClinGen Epilepsy Sodium Channel VCEP threshold (>0.0002%) for BS1, and therefore meets this criterion (BS1). The computational predictor REVEL gives a score of 0.977, which is above the threshold of 0.644, evidence that correlates with impact to SCN3A function (PP3_Moderate). This variant resides within a Pathogenic Enriched Region, amino acids 896-904, of SCN3A that is defined as a mutational hotspot and/or critical functional domain by the ClinGen Epilepsy Sodium Channel VCEP (PM1). Two different missense variants in the same codon of paralogous genes have been reported as likely pathogenic by the ClinGen Epilepsy Sodium Channel VCEP: SCN2A:c.2696G>A (p.Gly899Asp), SCN1A:c.2722G>C (p.Gly908Arg)(ClinVar Variation IDs 206975 & 206786, PM5_Supporting). Two additional missense variants in the same codon of paralogous genes have been reported: SCN2A:c.2695G>A (p.Gly899Ser), SCN1A:c.2722G>A (p.Gly908Ser) (ClinVar Variation IDs 206974 & 1695472). However, these variants have not yet met the criteria to be classified as pathogenic or likely pathogenic by the ClinGen Epilepsy Sodium Channel VCEP. In summary, this variant meets the criteria to be classified as likely benign for autosomal dominant developmental and epileptic encephalopathy based on the ACMG/AMP criteria applied, as specified by the ClinGen Epilepsy Sodium Channel VCEP: BS1, BS2, PP3_Moderate, PM1, PM5_Supporting (VCEP specifications v2.0.0; June 23, 2026)

Labcorp Genetics (formerly Invitae), Labcorp
Classification: Uncertain significance. Last evaluated: 2024-07-18. Review status: criteria provided, single submitter. Criteria: Invitae Variant Classification Sherloc (09022015). Collection method: clinical testing. Allele origin: germline. Not counted in ClinVar's aggregate classification.
Comment: This sequence change replaces glycine, which is neutral and non-polar, with serine, which is neutral and polar, at codon 900 of the SCN3A protein (p.Gly900Ser). This variant is present in population databases (rs749586926, gnomAD 0.005%). This variant has not been reported in the literature in individuals affected with SCN3A-related conditions. ClinVar contains an entry for this variant (Variation ID: 661395). Advanced modeling of protein sequence and biophysical properties (such as structural, functional, and spatial information, amino acid conservation, physicochemical variation, residue mobility, and thermodynamic stability) performed at Invitae indicates that this missense variant is expected to disrupt SCN3A protein function with a positive predictive value of 95%. In summary, the available evidence is currently insufficient to determine the role of this variant in disease. Therefore, it has been classified as a Variant of Uncertain Significance.

GeneDx
Classification: Uncertain significance. Last evaluated: 2023-07-27. Review status: criteria provided, single submitter. Criteria: GeneDx Variant Classification Process June 2021. Collection method: clinical testing. Allele origin: germline. Affected: yes. Not counted in ClinVar's aggregate classification.
Comment: In silico analysis supports that this missense variant has a deleterious effect on protein structure/function; Has not been previously published as pathogenic or benign to our knowledge

Laboratorio de Genetica e Diagnostico Molecular, Hospital Israelita Albert Einstein
Classification: Uncertain significance. Last evaluated: 2022-03-16. Review status: criteria provided, single submitter. Criteria: ACMG Guidelines, 2015. Collection method: clinical testing. Allele origin: germline. Affected: yes. Not counted in ClinVar's aggregate classification.
Comment: ACMG classification criteria: PM2, PP2, PP3